The following is an entry in ClinVar:

NM_001851.6(COL9A1):c.2203C>T (p.Arg735Trp)

Gene: COL9A1 (collagen type IX alpha 1 chain; minus strand). Cytogenetic location: 6q13.
Variant type: single nucleotide variant.
Coding change: c.2203C>T on transcript NM_001851.6 (MANE Select); coding-DNA position 2203, C replaced by T.
Protein change: p.Arg735Trp; replaces arginine 735 with tryptophan.
Molecular consequence: missense variant. On other transcripts: non-coding transcript variant (1), intron variant (1).
Genome position (GRCh38, 1-based): chr6:70,234,850, G>A on the plus strand (C>T on the coding strand, the complement: COL9A1 is on the minus strand). VCF-style: chr6-70234850-G-A. GRCh37 (hg19) VCF-style: chr6-70944553-G-A.
Other names: c.1504C>T, p.Arg502Trp (NM_001377289.1); c.1474C>T, p.Arg492Trp (NM_078485.4); c.1384-257C>T (NM_001377290.1); short protein forms R492W, R502W, R735W.
Identifiers: ClinVar variation 933248 (VCV000933248.8), dbSNP rs148695653, ClinGen allele CA3881835.

ClinVar aggregate classification (germline): Uncertain significance. Review status: criteria provided, multiple submitters, no conflicts (2 of 4 stars). 3 submissions from 3 submitters: Uncertain significance (3). Last evaluated 2024-12-02.

Allele frequency attached by ClinVar (database versions not stated): TOPMed 0.00006; 1000 Genomes Project 30x 0.00016; 1000 Genomes Project 0.00020.

Submissions (3):

Labcorp Genetics (formerly Invitae), Labcorp
Classification: Uncertain significance. Last evaluated: 2024-12-02. Review status: criteria provided, single submitter. Criteria: Invitae Variant Classification Sherloc (09022015). Collection method: clinical testing. Allele origin: germline.
Comment: This sequence change replaces arginine, which is basic and polar, with tryptophan, which is neutral and slightly polar, at codon 735 of the COL9A1 protein (p.Arg735Trp). This variant is present in population databases (rs148695653, gnomAD 0.03%). This variant has not been reported in the literature in individuals affected with COL9A1-related conditions. ClinVar contains an entry for this variant (Variation ID: 933248). Invitae Evidence Modeling of protein sequence and biophysical properties (such as structural, functional, and spatial information, amino acid conservation, physicochemical variation, residue mobility, and thermodynamic stability) indicates that this missense variant is not expected to disrupt COL9A1 protein function with a negative predictive value of 95%. In summary, the available evidence is currently insufficient to determine the role of this variant in disease. Therefore, it has been classified as a Variant of Uncertain Significance.

GeneDx
Classification: Uncertain significance. Last evaluated: 2024-01-17. Review status: criteria provided, single submitter. Criteria: GeneDx Variant Classification Process June 2021. Collection method: clinical testing. Allele origin: germline. Affected: yes.
Comment: In silico analysis supports that this missense variant has a deleterious effect on protein structure/function; Has not been previously published as pathogenic or benign to our knowledge

Blueprint Genetics
Classification: Uncertain significance. Last evaluated: 2023-11-06. Review status: criteria provided, single submitter. Criteria: ACMG Guidelines, 2015. Collection method: clinical testing. Allele origin: germline.